The following is an entry in ClinVar:

ClinVar aggregate classification (germline): Pathogenic (1 of 4 stars; one submission).

Submission:

GeneDx
Classification: Pathogenic. Last evaluated: 2012-11-01. Review status: criteria provided, single submitter. Criteria: GeneDx Variant Classification (06012015). Collection method: clinical testing. Allele origin: germline. Affected: yes.
Comment: c.1247_1248insGTAGA:p.Asn416LysfsX2 (N416KfsX2) in exon 9 of the SCN1A gene (NM_001165963.1). The sequence shown with the inserted bases in braces is: TAAA{GTAGA}TTTG.The c.1247_1248insGTAGA mutation in the SCN1A gene causes a frameshift starting with codon Asparagine 416, changes this amino acid to a Lysine residue and creates a premature Stop codon at position 2 of the new reading frame, denoted p.Asn416LysfsX2. This mutation is predicted to cause loss of normal protein function either through protein truncation or nonsense-mediated mRNA decay. Although this mutation has not been previously reported to our knowledge, multiple other frameshift mutations have been published in association with SCN1A-related disorders. Therefore, the presence of c.1247_1248insGTAGA is consistent with a diagnosis of an SCN1A-related disorder. The variant is found in EPILEPSY panel(s).

NM_001165963.4(SCN1A):c.1247_1248insGTAGA (p.Asn416delinsLysTer)

Gene: SCN1A (sodium voltage-gated channel alpha subunit 1; minus strand). Cytogenetic location: 2q24.3.
Variant type: Insertion.
Coding change: c.1247_1248insGTAGA on transcript NM_001165963.4 (MANE Select); coding-DNA positions 1247 to 1248, GTAGA inserted.
Protein change: p.Asn416delinsLysTer.
Molecular consequence: nonsense. On other transcripts: 5 prime UTR variant (1), non-coding transcript variant (1).
Genome position: GRCh38 VCF-style: chr2-166046899-A-ATCTAC. GRCh37 (hg19) VCF-style: chr2-166903409-A-ATCTAC.
Other names: c.1247_1248insGTAGA, p.Asn416delinsLysTer (NM_001165964.3, NM_001202435.3, NM_001353948.2 and 10 more transcripts); c.-1179_-1178insGTAGA (NM_001353961.2).
Identifiers: ClinVar variation 206894 (VCV000206894.1), dbSNP rs796053056, ClinGen allele CA317700.